The following is an entry in ClinVar:

NM_033380.3(COL4A5):c.3496A>G (p.Lys1166Glu)

Gene: COL4A5 (collagen type IV alpha 5 chain; plus strand). Cytogenetic location: Xq22.3.
Variant type: single nucleotide variant.
Coding change: c.3496A>G on transcript NM_033380.3 (MANE Select); coding-DNA position 3496, A replaced by G.
Protein change: p.Lys1166Glu; replaces lysine 1166 with glutamic acid.
Molecular consequence: missense variant.
Genome position (GRCh38, 1-based): chrX:108,666,537, A>G. VCF-style: chrX-108666537-A-G. GRCh37 (hg19) VCF-style: chrX-107909767-A-G.
Other names: c.3496A>G, p.Lys1166Glu (NM_000495.5); short protein forms K1166E.
Identifiers: ClinVar variation 420384 (VCV000420384.5), dbSNP rs1064794446, ClinGen allele CA16621173.

ClinVar aggregate classification (germline): Uncertain significance. Review status: criteria provided, multiple submitters, no conflicts (2 of 4 stars). 2 submissions from 2 submitters: Uncertain significance (2). Last evaluated 2022-09-13.

gnomAD v4.1: 1 of 1,209,723 alleles (0.000083%); no homozygotes.

Submissions (2):

Labcorp Genetics (formerly Invitae), Labcorp
Classification: Uncertain significance. Last evaluated: 2022-09-13. Review status: criteria provided, single submitter. Criteria: Invitae Variant Classification Sherloc (09022015). Collection method: clinical testing. Allele origin: germline.
Comment: This sequence change replaces lysine, which is basic and polar, with glutamic acid, which is acidic and polar, at codon 1166 of the COL4A5 protein (p.Lys1166Glu). This variant is not present in population databases (gnomAD no frequency). This variant has not been reported in the literature in individuals affected with COL4A5-related conditions. ClinVar contains an entry for this variant (Variation ID: 420384). Advanced modeling of protein sequence and biophysical properties (such as structural, functional, and spatial information, amino acid conservation, physicochemical variation, residue mobility, and thermodynamic stability) has been performed at Invitae for this missense variant, however the output from this modeling did not meet the statistical confidence thresholds required to predict the impact of this variant on COL4A5 protein function. In summary, the available evidence is currently insufficient to determine the role of this variant in disease. Therefore, it has been classified as a Variant of Uncertain Significance.

GeneDx
Classification: Uncertain significance. Last evaluated: 2016-02-20. Review status: criteria provided, single submitter. Criteria: GeneDx Variant Classification (06012015). Collection method: clinical testing. Allele origin: germline. Affected: yes.
Comment: The K1166E variant in the COL4A5 gene has not been reported previously as a pathogenic variant, nor as a benign variant, to our knowledge. The K1166E variant was not observed in approximately 6500 individuals of European and African American ancestry in the NHLBI Exome Sequencing Project, indicating it is not a common benign variant in these populations. The K1166E variant is a non-conservative amino acid substitution, which is likely to impact secondary protein structure as these residues differ in polarity, charge, size and/or other properties. This substitution occurs at a position that is conserved across species. In silico analysis predicts this variant is probably damaging to the protein structure/function. We interpret K1166E as a variant of uncertain significance.